The following is an entry in ClinVar:

NM_001042492.3(NF1):c.7738+22T>C

Gene: NF1 (neurofibromin 1; plus strand). Cytogenetic location: 17q11.2.
Variant type: single nucleotide variant.
Coding change: c.7738+22T>C on transcript NM_001042492.3 (MANE Select); 22 bases into the intron after coding-DNA position 7738, T replaced by C.
Molecular consequence: intron variant.
Genome position (GRCh38, 1-based): chr17:31,356,604, T>C. VCF-style: chr17-31356604-T-C. GRCh37 (hg19) VCF-style: chr17-29683622-T-C.
Other names: c.7675+22T>C (NM_000267.4).
Identifiers: ClinVar variation 4855823 (VCV004855823.1).
Genomic context (GRCh38, chr17:31,356,604, plus strand): 5'-CCAAAATGAGGAGAGTAGCAGAAACTGATTATGAAATGGGTGAGAAACAAAGTATTGATC[T>C]AGATCATTGAAAATAAGGTGGGAGAGTACATGAAAGTCATGTTTATTTTCCAGCCATTTC-3'

ClinVar aggregate classification (germline): Uncertain significance (1 of 4 stars; one submission).

Conditions:
Neurofibromatosis, type 1 (NF1). Also called: NEUROFIBROMATOSIS, TYPE I, SOMATIC; VON RECKLINGHAUSEN DISEASE; Neurofibromatosis, type I; Peripheral type neurofibromatosis. Identifiers: Orphanet 636, MedGen C0027831, MONDO:0018975, OMIM 162200. Disease mechanism: loss of function.

Submission:

3billion
Classification: Uncertain significance for Neurofibromatosis, type 1. Last evaluated: 2025-07-25. Review status: criteria provided, single submitter. Criteria: ACMG Guidelines, 2015. Collection method: clinical testing. Allele origin: germline. Affected: yes.
Comment: The variant is not observed in the gnomAD v4.1.0 dataset. Predicted Consequence/Location: Intron variant In silico tools predict the variant to alter splicing and produce an abnormal transcript [SpliceAI: 0.22 (>=0.2, moderate evidence for spliceogenicity)]. Therefore, this variant is classified as VUS according to the recommendation of ACMG/AMP guideline.